The following is an entry in ClinVar:

ClinVar aggregate classification (germline): Likely pathogenic. Review status: criteria provided, single submitter (1 of 4 stars). 3 submissions from 3 submitters: Likely pathogenic (1). 2 of the submissions do not count toward it. Last evaluated 2024-11-27.

Conditions:
Dilated cardiomyopathy 1G (CMD1G). Identifiers: Orphanet 154, MedGen C1858763, MONDO:0011400, OMIM 604145.
Autosomal recessive limb-girdle muscular dystrophy type 2J (LGMDR10). Also called: Limb-girdle muscular dystrophy, type 2J; MUSCULAR DYSTROPHY, LIMB-GIRDLE, AUTOSOMAL RECESSIVE 10. Identifiers: Orphanet 140922, MedGen C1837342, MONDO:0012127, OMIM 608807.

Submissions (3):

Labcorp Genetics (formerly Invitae), Labcorp
Classification: Likely pathogenic for Dilated cardiomyopathy 1G; Autosomal recessive limb-girdle muscular dystrophy type 2J. Last evaluated: 2024-11-27. Review status: criteria provided, single submitter. Criteria: Invitae Variant Classification Sherloc (09022015). Collection method: clinical testing. Allele origin: germline.
Comment: This sequence change affects a donor splice site in intron 33 of the TTN gene. It is expected to disrupt RNA splicing and likely results in a truncated or disrupted TTN protein. This variant is not present in population databases (gnomAD no frequency). This variant has not been reported in the literature in individuals affected with TTN-related conditions. ClinVar contains an entry for this variant (Variation ID: 1174679). Algorithms developed to predict the effect of sequence changes on RNA splicing suggest that this variant may disrupt the consensus splice site. This variant is located in the I band of TTN (PMID: 25589632). Truncating variants in this region have been reported in individuals affected with autosomal recessive centronuclear myopathy (PMID: 23975875, internal data). Truncating variants in this region have also been identified in individuals affected with autosomal dominant dilated cardiomyopathy and/or cardio-related conditions (PMID: 27869827, 32964742, internal data). In summary, the currently available evidence indicates that the variant is pathogenic, but additional data are needed to prove that conclusively. Therefore, this variant has been classified as Likely Pathogenic.

Diagnostic Laboratory, Department of Genetics, University Medical Center Groningen
Classification: Likely pathogenic. Review status: no assertion criteria provided. Collection method: clinical testing. Allele origin: germline. Affected: yes. Study: VKGL Data-share Consensus. Not counted in ClinVar's aggregate classification.

Genome Diagnostics Laboratory, University Medical Center Utrecht
Classification: Likely pathogenic. Review status: no assertion criteria provided. Collection method: clinical testing. Allele origin: germline. Affected: yes. Study: VKGL Data-share Consensus. Not counted in ClinVar's aggregate classification.

Literature cited by the submitters: PubMed 25589632 (cited by Labcorp Genetics (formerly Invitae), Labcorp); PubMed 23975875 (cited by Labcorp Genetics (formerly Invitae), Labcorp); PubMed 27869827 (cited by Labcorp Genetics (formerly Invitae), Labcorp); PubMed 32964742 (cited by Labcorp Genetics (formerly Invitae), Labcorp).

NM_001267550.2(TTN):c.7855+1G>T

Gene: TTN (titin; minus strand). Cytogenetic location: 2q31.2.
Variant type: single nucleotide variant.
Coding change: c.7855+1G>T on transcript NM_001267550.2 (MANE Select); the canonical splice donor site of the intron after coding-DNA position 7855, G replaced by T.
Molecular consequence: splice donor variant.
Genome position (GRCh38, 1-based): chr2:178,773,108, C>A on the plus strand (G>T on the coding strand, the complement: TTN is on the minus strand). VCF-style: chr2-178773108-C-A. GRCh37 (hg19) VCF-style: chr2-179637835-C-A.
Other names: c.7717+1G>T (NM_003319.4, NM_133437.4, NM_133432.3); c.7855+1G>T (NM_133378.4, NM_001256850.1, NM_133379.5).
Identifiers: ClinVar variation 1174679 (VCV001174679.6), dbSNP rs746566745, ClinGen allele CA61005907.